The following is an entry in ClinVar:

NM_000540.3(RYR1):c.12814G>T (p.Ala4272Ser)

Gene: RYR1 (ryanodine receptor 1; plus strand). Cytogenetic location: 19q13.2.
Variant type: single nucleotide variant.
Coding change: c.12814G>T on transcript NM_000540.3 (MANE Select); coding-DNA position 12814, G replaced by T.
Protein change: p.Ala4272Ser; replaces alanine 4272 with serine.
Molecular consequence: missense variant.
Genome position (GRCh38, 1-based): chr19:38,565,148, G>T. VCF-style: chr19-38565148-G-T. GRCh37 (hg19) VCF-style: chr19-39055788-G-T.
Other names: c.12799G>T, p.Ala4267Ser (NM_001042723.2); short protein forms A4267S, A4272S.
Identifiers: ClinVar variation 3717397 (VCV003717397.2).

ClinVar aggregate classification (germline): Uncertain significance (1 of 4 stars; one submission).

Conditions:
RYR1-related disorder. Also called: RYR1-related condition; RYR1-related disorders. Identifiers: MedGen CN239331.

Submission:

Labcorp Genetics (formerly Invitae), Labcorp
Classification: Uncertain significance for RYR1-related disorder. Last evaluated: 2024-04-26. Review status: criteria provided, single submitter. Criteria: Invitae Variant Classification Sherloc (09022015). Collection method: clinical testing. Allele origin: germline.
Comment: This sequence change replaces alanine, which is neutral and non-polar, with serine, which is neutral and polar, at codon 4272 of the RYR1 protein (p.Ala4272Ser). This variant is not present in population databases (gnomAD no frequency). This variant has not been reported in the literature in individuals affected with RYR1-related conditions. Advanced modeling of protein sequence and biophysical properties (such as structural, functional, and spatial information, amino acid conservation, physicochemical variation, residue mobility, and thermodynamic stability) performed at Invitae indicates that this missense variant is not expected to disrupt RYR1 protein function with a negative predictive value of 95%. In summary, the available evidence is currently insufficient to determine the role of this variant in disease. Therefore, it has been classified as a Variant of Uncertain Significance.